The following is an entry in ClinVar:

NM_014946.4(SPAST):c.1562T>C (p.Leu521Pro)

Gene: SPAST (spastin; plus strand). Cytogenetic location: 2p22.3.
Variant type: single nucleotide variant.
Coding change: c.1562T>C on transcript NM_014946.4 (MANE Select); coding-DNA position 1562, T replaced by C.
Protein change: p.Leu521Pro; replaces leucine 521 with proline.
Molecular consequence: missense variant.
Genome position (GRCh38, 1-based): chr2:32,143,361, T>C. VCF-style: chr2-32143361-T-C. GRCh37 (hg19) VCF-style: chr2-32368430-T-C.
Other names: c.1559T>C, p.Leu520Pro (NM_001363823.2); c.1463T>C, p.Leu488Pro (NM_001363875.2); c.1466T>C, p.Leu489Pro (NM_001377959.1, NM_199436.2); short protein forms L488P, L489P, L520P, L521P.
Identifiers: ClinVar variation 4845415 (VCV004845415.1).

ClinVar aggregate classification (germline): Likely pathogenic (1 of 4 stars; one submission).

Conditions:
Hereditary spastic paraplegia 4. Also called: Spastic paraplegia 4, autosomal dominant; Familial spastic paraplegia autosomal dominant 2; Spastic Paraplegia 4. Identifiers: Orphanet 100985, MedGen C1866855, MONDO:0008438, OMIM 182601.

Submission:

Concord Molecular Medicine Laboratory, Concord Repatriation General Hospital
Classification: Likely pathogenic for Hereditary spastic paraplegia 4. Last evaluated: 2026-04-27. Review status: criteria provided, single submitter. Criteria: ACMG Guidelines, 2015. Collection method: clinical testing. Allele origin: germline. Inheritance: Autosomal dominant inheritance. Affected: yes. Observed: 2 variant alleles, 2 heterozygotes.
Comment: The c.1562T>C variant in SPAST has been reported to segregate with disease in two affected individuals in a family in published literature, and also in two affected individuals in a family in our laboratory. This variant is absent in control population database (gnomAD v4.1.1). The variant is located within the C-terminal ATPase domain, and in silico analysis suggests a pathogenic effect (REVEL 0.854).

Literature cited by the submitters: PubMed 31630374.